The following is an entry in ClinVar:

ClinVar aggregate classification (germline): Uncertain significance. Review status: criteria provided, multiple submitters, no conflicts (2 of 4 stars). 2 submissions from 2 submitters: Uncertain significance (2). Last evaluated 2024-04-10.

Conditions:
Hereditary cancer-predisposing syndrome. Also called: Neoplastic Syndromes, Hereditary; Hereditary neoplastic syndrome; Tumor predisposition; Hereditary Cancer Syndrome. Identifiers: Orphanet 140162, MedGen C0027672, MeSH D009386, MONDO:0015356.
Ataxia-telangiectasia syndrome (AT). Also called: Ataxia telangiectasia (A-T); Cerebello-oculocutaneous telangiectasia; Immunodeficiency with ataxia telangiectasia; LOUIS-BAR SYNDROME; AT, COMPLEMENTATION GROUP C; ATAXIA-TELANGIECTASIA, FRESNO VARIANT. Identifiers: Orphanet 100, MedGen C0004135, MONDO:0008840, OMIM 208900.

gnomAD v4.1: 1 of 1,613,536 alleles (0.000062%); highest among the groups gnomAD compares: Non-Finnish European, 0.000085%; no homozygotes.

Submissions (2):

Labcorp Genetics (formerly Invitae), Labcorp
Classification: Uncertain significance for Ataxia-telangiectasia syndrome. Last evaluated: 2024-04-10. Review status: criteria provided, single submitter. Criteria: Invitae Variant Classification Sherloc (09022015). Collection method: clinical testing. Allele origin: germline.
Comment: This sequence change replaces leucine, which is neutral and non-polar, with serine, which is neutral and polar, at codon 2018 of the ATM protein (p.Leu2018Ser). This variant is not present in population databases (gnomAD no frequency). This variant has not been reported in the literature in individuals affected with ATM-related conditions. ClinVar contains an entry for this variant (Variation ID: 219883). An algorithm developed to predict the effect of missense changes on protein structure and function (PolyPhen-2) suggests that this variant is likely to be disruptive. In summary, the available evidence is currently insufficient to determine the role of this variant in disease. Therefore, it has been classified as a Variant of Uncertain Significance.

Ambry Genetics
Classification: Uncertain significance for Hereditary cancer-predisposing syndrome. Last evaluated: 2020-11-05. Review status: criteria provided, single submitter. Criteria: Ambry Variant Classification Scheme 2023. Collection method: clinical testing. Allele origin: germline.
Comment: The p.L2018S variant (also known as c.6053T>C), located in coding exon 40 of the ATM gene, results from a T to C substitution at nucleotide position 6053. The leucine at codon 2018 is replaced by serine, an amino acid with dissimilar properties. This amino acid position is highly conserved in available vertebrate species. In addition, the in silico prediction for this alteration is inconclusive. Since supporting evidence is limited at this time, the clinical significance of this alteration remains unclear.

NM_000051.4(ATM):c.6053T>C (p.Leu2018Ser)

Genes: ATM (ATM serine/threonine kinase; plus strand), C11orf65 (chromosome 11 open reading frame 65; minus strand). Cytogenetic location: 11q22.3.
Variant type: single nucleotide variant.
Coding change: c.6053T>C on transcript NM_000051.4 (MANE Select); coding-DNA position 6053, T replaced by C.
Protein change: p.Leu2018Ser; replaces leucine 2018 with serine.
Molecular consequence: missense variant. On other transcripts: intron variant (2).
Genome position (GRCh38, 1-based): chr11:108,315,869, T>C. VCF-style: chr11-108315869-T-C. GRCh37 (hg19) VCF-style: chr11-108186596-T-C.
Other names: c.6053T>C, p.Leu2018Ser (NM_001351834.2); c.641-6798A>G (NM_001330368.2); c.*39-6798A>G (NM_001351110.2); short protein forms L2018S.
Identifiers: ClinVar variation 219883 (VCV000219883.9), dbSNP rs755694394, ClinGen allele CA348802.